The following is an entry in ClinVar:

NM_130384.3(ATRIP):c.2305G>A (p.Glu769Lys)

Genes: ATRIP (ATR interacting protein; plus strand), ATRIP-TREX1 (ATRIP-TREX1 readthrough; plus strand). Cytogenetic location: 3p21.31.
Variant type: single nucleotide variant.
Coding change: c.2305G>A on transcript NM_130384.3 (MANE Select); coding-DNA position 2305, G replaced by A.
Protein change: p.Glu769Lys; replaces glutamic acid 769 with lysine.
Molecular consequence: missense variant. On other transcripts: non-coding transcript variant (1).
Genome position (GRCh38, 1-based): chr3:48,465,080, G>A. VCF-style: chr3-48465080-G-A. GRCh37 (hg19) VCF-style: chr3-48506479-G-A.
Other names: c.1924G>A, p.Glu642Lys (NM_001271022.2); c.2026G>A, p.Glu676Lys (NM_001271023.2); c.2224G>A, p.Glu742Lys (NM_032166.4); short protein forms E642K, E676K, E742K, E769K.
Identifiers: ClinVar variation 4867262 (VCV004867262.1).

ClinVar aggregate classification (germline): Uncertain significance (1 of 4 stars; one submission).

Submission:

Ambry Genetics
Classification: Uncertain significance. Last evaluated: 2026-06-04. Review status: criteria provided, single submitter. Criteria: Ambry Variant Classification Scheme 2023. Collection method: clinical testing. Allele origin: germline.
Comment: The p.E769K variant (also known as c.2305G>A), located in coding exon 12 of the ATRIP gene, results from a G to A substitution at nucleotide position 2305. The glutamic acid at codon 769 is replaced by lysine, an amino acid with similar properties. This amino acid position is conserved. In addition, this alteration is predicted to be deleterious by in silico analysis. Based on the available evidence, the clinical significance of this variant remains unclear.